The following is an entry in ClinVar:

GRCh37/hg19 21p11.1-q21.2(chr21:10944001-25730963)

Genes: HSPA13 (heat shock protein family A (Hsp70) member 13; minus strand), SAMSN1 (SAM domain, SH3 domain and nuclear localization signals 1; minus strand), TMPRSS15 (transmembrane serine protease 15; minus strand), TPTE (transmembrane phosphatase with tensin homology; plus strand), MIRLET7C (microRNA let-7c; plus strand) and 14 more. Cytogenetic location: 21p11.1-q21.2.
Variant type: copy number gain.
Identifiers: ClinVar variation 625662 (VCV000625662.1).

ClinVar aggregate classification (germline): Pathogenic (1 of 4 stars; one submission).

Submission:

Baylor Genetics
Classification: Pathogenic. Last evaluated: 2018-11-01. Review status: criteria provided, single submitter. Criteria: ACMG CNV Guidelines, 2011. Collection method: clinical testing. Allele origin: germline. Observed: 1 variant allele.